The following is an entry in ClinVar:

ClinVar aggregate classification (germline): Benign/Likely benign. Review status: criteria provided, multiple submitters, no conflicts (2 of 4 stars). 3 submissions from 3 submitters: Benign (1); Likely benign (2). Last evaluated 2026-02-04.

Allele frequency attached by ClinVar (database versions not stated): gnomAD 0.00146 and 0.00167; TOPMed 0.00161; ESP Exome Variant Server 0.00169; gnomAD exomes 0.00180 and 0.00305; 1000 Genomes Project 0.00200; 1000 Genomes Project 30x 0.00234; ExAC 0.00283.
gnomAD v4.1: 2,958 of 1,614,230 alleles (0.18%); highest among the groups gnomAD compares: South Asian, 1%; 28 homozygotes.

Submissions (3):

Labcorp Genetics (formerly Invitae), Labcorp
Classification: Benign. Last evaluated: 2026-02-04. Review status: criteria provided, single submitter. Criteria: Invitae Variant Classification Sherloc (09022015). Collection method: clinical testing. Allele origin: germline.

GeneDx
Classification: Likely benign. Last evaluated: 2020-03-12. Review status: criteria provided, single submitter. Criteria: GeneDx Variant Classification Process June 2021. Collection method: clinical testing. Allele origin: germline. Affected: yes.
Comment: Identified in one individual with high HDL cholesterol and lipoprotein(a) (Yang et al., 2016); In silico analysis, which includes protein predictors and evolutionary conservation, supports a deleterious effect; Published functional studies revealed that S129L results in an approximately 60% reduction in cholesteryl ester uptake from both HDL and lipoprotein(a) relative to wildtype protein (Yang et al., 2016); This variant is associated with the following publications: (PMID: 27651445)

Breakthrough Genomics
Classification: Likely benign. Review status: criteria provided, single submitter. Criteria: ACMG Guidelines, 2015. Collection method: not provided. Allele origin: germline. Inheritance: Unknown mechanism. Affected: yes.

NM_005505.5(SCARB1):c.386C>T (p.Ser129Leu)

Gene: SCARB1 (scavenger receptor class B member 1; minus strand). Cytogenetic location: 12q24.31.
Variant type: single nucleotide variant.
Coding change: c.386C>T on transcript NM_005505.5 (MANE Select); coding-DNA position 386, C replaced by T.
Protein change: p.Ser129Leu; replaces serine 129 with leucine.
Molecular consequence: missense variant. On other transcripts: non-coding transcript variant (9).
Genome position (GRCh38, 1-based): chr12:124,815,013, G>A on the plus strand (C>T on the coding strand, the complement: SCARB1 is on the minus strand). VCF-style: chr12-124815013-G-A. GRCh37 (hg19) VCF-style: chr12-125299559-G-A.
Other names: c.386C>T, p.Ser129Leu (NM_001082959.2, NM_001367981.1, NM_001367983.1 and 6 more transcripts); c.263C>T, p.Ser88Leu (NM_001367982.1); short protein forms S129L, S88L.
Identifiers: ClinVar variation 1164177 (VCV001164177.11), dbSNP rs150222965, ClinGen allele CA6870576.